The following is an entry in ClinVar:

NM_000246.4(CIITA):c.*23-7G>C

Gene: CIITA (class II major histocompatibility complex transactivator; plus strand). Cytogenetic location: 16p13.13.
Variant type: single nucleotide variant.
Coding change: c.*23-7G>C on transcript NM_000246.4 (MANE Select); 7 bases into the intron before 23 bases downstream of the stop codon, G replaced by C.
Molecular consequence: intron variant.
Genome position (GRCh38, 1-based): chr16:10,923,871, G>C. VCF-style: chr16-10923871-G-C. GRCh37 (hg19) VCF-style: chr16-11017728-G-C.
Other names: c.*23-7G>C (NM_001286402.1, NM_001286403.2); c.*22+546G>C (NM_001379332.1, NM_001379330.1, NM_001379333.1 and 2 more transcripts).
Identifiers: ClinVar variation 317727 (VCV000317727.6), dbSNP rs4780336, ClinGen allele CA10647717.

ClinVar aggregate classification (germline): Benign. Review status: criteria provided, multiple submitters, no conflicts (2 of 4 stars). 2 submissions from 2 submitters: Benign (2). Last evaluated 2018-01-13.

Conditions:
MHC class II deficiency. Also called: Bare lymphocyte syndrome 2; BLS, TYPE II. Identifiers: Orphanet 572, MedGen C5447452, MONDO:0008855.

Allele frequency attached by ClinVar (database versions not stated): gnomAD exomes 0.05129; 1000 Genomes Project 30x 0.06808; 1000 Genomes Project 0.07188; TOPMed 0.06627.
gnomAD v4.1: 9,771 of 160,892 alleles (6.1%); highest among the groups gnomAD compares: East Asian, 14%; 311 homozygotes.

Submissions (2):

Illumina Laboratory Services, Illumina
Classification: Benign for MHC class II deficiency 1. Last evaluated: 2018-01-13. Review status: criteria provided, single submitter. Criteria: ICSL Variant Classification Criteria 13 December 2019. Collection method: clinical testing. Allele origin: germline.
Comment: This variant was observed in the ICSL laboratory as part of a predisposition screen in an ostensibly healthy population. It had not been previously curated by ICSL or reported in the Human Gene Mutation Database (HGMD: prior to June 1st, 2018), and was therefore a candidate for classification through an automated scoring system. Utilizing variant allele frequency, disease prevalence and penetrance estimates, and inheritance mode, an automated score was calculated to assess if this variant is too frequent to cause the disease. Based on the score and internal cut-off values, a variant classified as benign is not then subjected to further curation. The score for this variant resulted in a classification of benign for this disease.

Breakthrough Genomics
Classification: Benign. Review status: criteria provided, single submitter. Criteria: ACMG Guidelines, 2015. Collection method: not provided. Allele origin: germline. Inheritance: Autosomal recessive inheritance. Affected: yes.